The following is an entry in ClinVar:

ClinVar aggregate classification (germline): Likely benign. Review status: criteria provided, single submitter (1 of 4 stars). 2 submissions from 2 submitters: Likely benign (1). 1 of the submissions does not count toward it. Last evaluated 2026-01-26.

Conditions:
LAMA2-related disorder. Also called: LAMA2-related condition; LAMA2-related disorders.
LAMA2-related muscular dystrophy (LAMA2-RD). Also called: Laminin alpha 2-related dystrophy. Identifiers: MedGen C5679788, MONDO:0100228.

Allele frequency attached by ClinVar (database versions not stated): TOPMed 0.00019; 1000 Genomes Project 30x 0.00031; 1000 Genomes Project 0.00040; gnomAD exomes 0.00001; ExAC 0.00002; gnomAD 0.00005 and 0.00006.
gnomAD v4.1: 37 of 1,613,638 alleles (0.0023%); highest among the groups gnomAD compares: Admixed American, 0.032%; no homozygotes.

Submissions (2):

Labcorp Genetics (formerly Invitae), Labcorp
Classification: Likely benign for LAMA2-related muscular dystrophy. Last evaluated: 2026-01-26. Review status: criteria provided, single submitter. Criteria: Invitae Variant Classification Sherloc (09022015). Collection method: clinical testing. Allele origin: germline.

PreventionGenetics, part of Exact Sciences
Classification: Likely benign for LAMA2-related condition. Last evaluated: 2019-06-19. Review status: no assertion criteria provided. Collection method: clinical testing. Allele origin: germline. Not counted in ClinVar's aggregate classification.
Comment: This variant is classified as likely benign based on ACMG/AMP sequence variant interpretation guidelines (Richards et al. 2015 PMID: 25741868, with internal and published modifications).

NM_000426.4(LAMA2):c.8610C>T (p.Thr2870=)

Gene: LAMA2 (laminin subunit alpha 2; plus strand). Cytogenetic location: 6q22.33.
Variant type: single nucleotide variant.
Coding change: c.8610C>T on transcript NM_000426.4 (MANE Select); coding-DNA position 8610, C replaced by T.
Protein change: p.Thr2870=; no amino-acid change (threonine 2870 retained).
Molecular consequence: synonymous variant.
Genome position (GRCh38, 1-based): chr6:129,505,262, C>T. VCF-style: chr6-129505262-C-T. GRCh37 (hg19) VCF-style: chr6-129826407-C-T.
Other names: c.8598C>T, p.Thr2866= (NM_001079823.2).
Identifiers: ClinVar variation 702011 (VCV000702011.13), dbSNP rs199709403, ClinGen allele CA3994874.
Genomic context (GRCh38, chr6:129,505,262, plus strand): 5'-TAAGATAATGAGAAGTAAGCAAGAAGGAATTCTTTATGTAGATGGGGCTTCCAACAGAAC[C>T]ATCAGTCCCAAAAAAGCCGACATCCTGGATGTCGTGGGAATGCTGTATGTTGGTGGGTTA-3'
Protein context (NP_000417.3, residues 2860-2880): ILYVDGASNR[Thr2870=]ISPKKADILD